The following is an entry in ClinVar:

ClinVar aggregate classification (germline): Uncertain significance. Review status: criteria provided, multiple submitters, no conflicts (2 of 4 stars). 2 submissions from 2 submitters: Uncertain significance (2). Last evaluated 2025-11-25.

Conditions:
Brugada syndrome. Also called: Sudden unexplained nocturnal death syndrome; Sudden Unexplained Death Syndrome; Sudden Unexplained Nocturnal Death Syndrome (SUNDS); Sudden unexpected nocturnal death syndrome. Identifiers: Orphanet 130, MedGen C1142166, MONDO:0015263.

Allele frequency attached by ClinVar (database versions not stated): ExAC 0.00001; gnomAD exomes 0.00001 and 0.00005; TOPMed 0.00002.
gnomAD v4.1: 67 of 1,609,660 alleles (0.0042%); highest among the groups gnomAD compares: Non-Finnish European, 0.0056%; no homozygotes.

Submissions (2):

Ambry Genetics
Classification: Uncertain significance. Last evaluated: 2025-11-25. Review status: criteria provided, single submitter. Criteria: Ambry Variant Classification Scheme 2023. Collection method: clinical testing. Allele origin: germline.
Comment: The p.F430I variant (also known as c.1288T>A), located in coding exon 13 of the SLMAP gene, results from a T to A substitution at nucleotide position 1288. The phenylalanine at codon 430 is replaced by isoleucine, an amino acid with highly similar properties. This amino acid position is conserved. In addition, this alteration is predicted to be tolerated by in silico analysis. Based on the available evidence, the clinical significance of this variant remains unclear.

Labcorp Genetics (formerly Invitae), Labcorp
Classification: Uncertain significance for Brugada syndrome. Last evaluated: 2019-12-06. Review status: criteria provided, single submitter. Criteria: Invitae Variant Classification Sherloc (09022015). Collection method: clinical testing. Allele origin: germline.
Comment: In summary, the available evidence is currently insufficient to determine the role of this variant in disease. Therefore, it has been classified as a Variant of Uncertain Significance. Algorithms developed to predict the effect of missense changes on protein structure and function (SIFT, PolyPhen-2, Align-GVGD) all suggest that this variant is likely to be tolerated, but these predictions have not been confirmed by published functional studies and their clinical significance is uncertain. This variant has not been reported in the literature in individuals with SLMAP-related conditions. This variant is present in population databases (rs772143236, ExAC 0.002%). This sequence change replaces phenylalanine with isoleucine at codon 430 of the SLMAP protein (p.Phe430Ile). The phenylalanine residue is weakly conserved and there is a small physicochemical difference between phenylalanine and isoleucine.

NM_001377540.1(SLMAP):c.1390T>A (p.Phe464Ile)

Gene: SLMAP (sarcolemma associated protein; plus strand). Cytogenetic location: 3p14.3.
Variant type: single nucleotide variant.
Coding change: c.1390T>A on transcript NM_001377540.1 (MANE Select); coding-DNA position 1390, T replaced by A.
Protein change: p.Phe464Ile; replaces phenylalanine 464 with isoleucine.
Molecular consequence: missense variant. On other transcripts: 5 prime UTR variant (7), non-coding transcript variant (1).
Genome position (GRCh38, 1-based): chr3:57,896,540, T>A. VCF-style: chr3-57896540-T-A. GRCh37 (hg19) VCF-style: chr3-57882267-T-A.
Other names: c.1339T>A, p.Phe447Ile (NM_001304420.3, NM_001377541.1, NM_001377542.1 and 2 more transcripts); c.1225T>A, p.Phe409Ile (NM_001304421.2, NM_001377557.1, NM_001377559.1 and 1 more transcripts); c.-60T>A (NM_001304422.3, NM_001304423.3, NM_001311178.2 and 4 more transcripts); c.1390T>A, p.Phe464Ile (NM_001377538.1, NM_001377539.1, NM_001377555.1); c.1327T>A, p.Phe443Ile (NM_001377545.1, NM_001377922.1); c.1288T>A, p.Phe430Ile (NM_001377549.1, NM_001377923.1, NM_007159.5); c.1276T>A, p.Phe426Ile (NM_001377551.1, NM_001377552.1, NM_001377924.1); short protein forms F430I, F426I, F443I, F409I, F447I, F464I.
Identifiers: ClinVar variation 838015 (VCV000838015.8), dbSNP rs772143236, ClinGen allele CA2467122.
Genomic context (GRCh38, chr3:57,896,540, plus strand): 5'-TAAGATTTTACTTTTATTTTTTTCTTGGTAGAAAATCAGACAAGAGCAAAAGAATCTGAT[T>A]TTTCAGATACTCTGAGTCCAAGCAAGGAAAAAAGCAGTGACGACACTACAGGTGAGTTTT-3'
Protein context (NP_001364469.1, residues 454-474): ENQTRAKESD[Phe464Ile]SDTLSPSKEK